The following is an entry in ClinVar:

NM_002838.5(PTPRC):c.1292-3C>A

Gene: PTPRC (protein tyrosine phosphatase receptor type C; plus strand). Cytogenetic location: 1q32.1.
Variant type: single nucleotide variant.
Coding change: c.1292-3C>A on transcript NM_002838.5 (MANE Select); 3 bases into the intron before coding-DNA position 1292, C replaced by A.
Molecular consequence: intron variant.
Genome position (GRCh38, 1-based): chr1:198,716,679, C>A. VCF-style: chr1-198716679-C-A. GRCh37 (hg19) VCF-style: chr1-198685808-C-A.
Other names: c.809-3C>A (NM_080921.4).
Identifiers: ClinVar variation 1395652 (VCV001395652.6), dbSNP rs2102439511, ClinGen allele CA2573131343.
Genomic context (GRCh38, chr1:198,716,679, plus strand): 5'-ATTAGGTACGTGGTAGTACTGACTTTTAACGACTTACTAATTTTTTTTCACATTTTTCCT[C>A]AGAAAAAGATTGCCTCAATCTGGATAAAAACCTGATCAAATATGATTTGCAAAATTTAAA-3'

ClinVar aggregate classification (germline): Uncertain significance (1 of 4 stars; one submission).

Conditions:
Immunodeficiency 104. Also called: Severe combined immunodeficiency, autosomal recessive, T cell-negative, B cell-positive, NK cell-positive; Severe Combined Immune Deficiency, Autosomal Recessive, TCell -Negative, B Cell-Positive, NK Cell-Positive, IL7R-Related; SCID, AUTOSOMAL RECESSIVE, T CELL-NEGATIVE, B CELL-POSITIVE, NK CELL-POSITIVE; IMMUNODEFICIENCY 104, SEVERE COMBINED. Identifiers: MedGen C5676890, MONDO:0012163, OMIM 608971.

Submission:

Labcorp Genetics (formerly Invitae), Labcorp
Classification: Uncertain significance for Immunodeficiency 104. Last evaluated: 2022-09-27. Review status: criteria provided, single submitter. Criteria: Invitae Variant Classification Sherloc (09022015). Collection method: clinical testing. Allele origin: germline.
Comment: ClinVar contains an entry for this variant (Variation ID: 1395652). In summary, the available evidence is currently insufficient to determine the role of this variant in disease. Therefore, it has been classified as a Variant of Uncertain Significance. Variants that disrupt the consensus splice site are a relatively common cause of aberrant splicing (PMID: 17576681, 9536098). Algorithms developed to predict the effect of sequence changes on RNA splicing suggest that this variant is not likely to affect RNA splicing. This variant has not been reported in the literature in individuals affected with PTPRC-related conditions. This variant is not present in population databases (gnomAD no frequency). This sequence change falls in intron 12 of the PTPRC gene. It does not directly change the encoded amino acid sequence of the PTPRC protein. It affects a nucleotide within the consensus splice site.

Literature cited by the submitters: PubMed 17576681; PubMed 9536098.